The following is an entry in ClinVar:

ClinVar aggregate classification (germline): Conflicting classifications of pathogenicity. Review status: criteria provided, conflicting classifications (1 of 4 stars). 4 submissions from 4 submitters: Uncertain significance (3); Likely benign (1). Last evaluated 2026-01-23.

Conditions:
SLC34A3-related disorder. Also called: SLC34A3-related condition.
Inborn genetic diseases. Identifiers: MedGen C0950123, MeSH D030342.

gnomAD v4.1: 167 of 1,612,836 alleles (0.01%); highest among the groups gnomAD compares: South Asian, 0.049%; 2 homozygotes.

Submissions (4):

GeneDx
Classification: Uncertain significance. Last evaluated: 2026-01-23. Review status: criteria provided, single submitter. Criteria: GeneDx Variant Classification Process June 2021. Collection method: clinical testing. Allele origin: germline. Affected: yes.
Comment: Observed in a patient from a cohort of individuals with nephrolithiasis and/or nephrocalcinosis who harbors a second SLC34A3 variant, but it is not known whether the variants occurred on the same (in cis) or on different (in trans) alleles (PMID: 40428323); In silico analysis suggests that this missense variant does not alter protein structure/function; This variant is associated with the following publications: (PMID: 40428323)

Ambry Genetics
Classification: Likely benign for Inborn genetic diseases. Last evaluated: 2025-09-25. Review status: criteria provided, single submitter. Criteria: Ambry Variant Classification Scheme 2023. Collection method: clinical testing. Allele origin: germline.

PreventionGenetics, part of Exact Sciences
Classification: Uncertain significance for SLC34A3-related condition. Last evaluated: 2025-03-24. Review status: criteria provided, single submitter. Criteria: ACMG Guidelines, 2015. Collection method: clinical testing. Allele origin: germline.
Comment: The SLC34A3 c.274G>A variant is predicted to result in the amino acid substitution p.Val92Ile. To our knowledge, this variant has not been reported in the literature. This variant is reported in 0.052% of alleles in individuals of South Asian descent in gnomAD, including one homozygote. Although we suspect that this variant may be benign, at this time, the clinical significance of this variant is uncertain due to the absence of conclusive functional and genetic evidence.

Blueprint Genetics
Classification: Uncertain significance. Last evaluated: 2024-04-29. Review status: criteria provided, single submitter. Criteria: ACMG Guidelines, 2015. Collection method: clinical testing. Allele origin: germline.

NM_001177316.2(SLC34A3):c.274G>A (p.Val92Ile)

Gene: SLC34A3 (solute carrier family 34 member 3; plus strand). Cytogenetic location: 9q34.3.
Variant type: single nucleotide variant.
Coding change: c.274G>A on transcript NM_001177316.2 (MANE Select); coding-DNA position 274, G replaced by A.
Protein change: p.Val92Ile; replaces valine 92 with isoleucine.
Molecular consequence: missense variant.
Genome position (GRCh38, 1-based): chr9:137,232,673, G>A. VCF-style: chr9-137232673-G-A. GRCh37 (hg19) VCF-style: chr9-140127125-G-A.
Other names: c.274G>A, p.Val92Ile (NM_001177317.2, NM_080877.3); short protein forms V92I.
Identifiers: ClinVar variation 3602421 (VCV003602421.5).